The following is an entry in ClinVar:

ClinVar aggregate classification (germline): Uncertain significance. Review status: criteria provided, multiple submitters, no conflicts (2 of 4 stars). 2 submissions from 2 submitters: Uncertain significance (2). Last evaluated 2024-06-18.

Submissions (2):

Ambry Genetics
Classification: Uncertain significance. Last evaluated: 2024-06-18. Review status: criteria provided, single submitter. Criteria: Ambry Variant Classification Scheme 2023. Collection method: clinical testing. Allele origin: germline.

Labcorp Genetics (formerly Invitae), Labcorp
Classification: Uncertain significance. Last evaluated: 2022-09-19. Review status: criteria provided, single submitter. Criteria: Invitae Variant Classification Sherloc (09022015). Collection method: clinical testing. Allele origin: germline.
Comment: This sequence change replaces proline, which is neutral and non-polar, with leucine, which is neutral and non-polar, at codon 510 of the SH3KBP1 protein (p.Pro510Leu). This variant is not present in population databases (gnomAD no frequency). This variant has not been reported in the literature in individuals affected with SH3KBP1-related conditions. ClinVar contains an entry for this variant (Variation ID: 1496780). Advanced modeling of protein sequence and biophysical properties (such as structural, functional, and spatial information, amino acid conservation, physicochemical variation, residue mobility, and thermodynamic stability) performed at Invitae indicates that this missense variant is not expected to disrupt SH3KBP1 protein function. In summary, the available evidence is currently insufficient to determine the role of this variant in disease. Therefore, it has been classified as a Variant of Uncertain Significance.

NM_031892.3(SH3KBP1):c.1529C>T (p.Pro510Leu)

Gene: SH3KBP1 (SH3 domain containing kinase binding protein 1; minus strand). Cytogenetic location: Xp22.12.
Variant type: single nucleotide variant.
Coding change: c.1529C>T on transcript NM_031892.3 (MANE Select); coding-DNA position 1529, C replaced by T.
Protein change: p.Pro510Leu; replaces proline 510 with leucine.
Molecular consequence: missense variant. On other transcripts: intron variant (5).
Genome position (GRCh38, 1-based): chrX:19,546,016, G>A on the plus strand (C>T on the coding strand, the complement: SH3KBP1 is on the minus strand). VCF-style: chrX-19546016-G-A. GRCh37 (hg19) VCF-style: chrX-19564134-G-A.
Other names: c.1529C>T (NM_031892.2); c.1418C>T, p.Pro473Leu (NM_001024666.3); c.815C>T, p.Pro272Leu (NM_001184960.2); c.1604C>T, p.Pro535Leu (NM_001353891.2); c.1427C>T, p.Pro476Leu (NM_001353893.2); c.1495-3823C>T (NM_001353890.2); c.1570-3823C>T (NM_001353892.2); c.1393-3823C>T (NM_001353894.2); and 2 more; short protein forms P473L, P535L, P272L, P476L, P510L.
Identifiers: ClinVar variation 1496780 (VCV001496780.9), dbSNP rs2147599224, ClinGen allele CA412496549.